The following is an entry in ClinVar:

NM_001792.5(CDH2):c.896C>A (p.Ala299Asp)

Gene: CDH2 (cadherin 2; minus strand). Cytogenetic location: 18q12.1.
Variant type: single nucleotide variant.
Coding change: c.896C>A on transcript NM_001792.5 (MANE Select); coding-DNA position 896, C replaced by A.
Protein change: p.Ala299Asp; replaces alanine 299 with aspartic acid.
Molecular consequence: missense variant.
Genome position (GRCh38, 1-based): chr18:28,003,121, G>T on the plus strand (C>A on the coding strand, the complement: CDH2 is on the minus strand). VCF-style: chr18-28003121-G-T. GRCh37 (hg19) VCF-style: chr18-25583085-G-T.
Other names: c.803C>A, p.Ala268Asp (NM_001308176.2); short protein forms A268D, A299D.
Identifiers: ClinVar variation 4772436 (VCV004772436.1).

ClinVar aggregate classification (germline): Uncertain significance (1 of 4 stars; one submission).

Submission:

Labcorp Genetics (formerly Invitae), Labcorp
Classification: Uncertain significance. Last evaluated: 2025-09-23. Review status: criteria provided, single submitter. Criteria: Invitae Variant Classification Sherloc (09022015). Collection method: clinical testing. Allele origin: germline.
Comment: This sequence change replaces alanine, which is neutral and non-polar, with aspartic acid, which is acidic and polar, at codon 299 of the CDH2 protein (p.Ala299Asp). This variant is not present in population databases (gnomAD no frequency). This variant has not been reported in the literature in individuals affected with CDH2-related conditions. An algorithm developed to predict the effect of missense changes on protein structure and function (PolyPhen-2) suggests that this variant is likely to be tolerated. In summary, the available evidence is currently insufficient to determine the role of this variant in disease. Therefore, it has been classified as a Variant of Uncertain Significance.